The following is an entry in ClinVar:

ClinVar aggregate classification (germline): Uncertain significance. Review status: criteria provided, multiple submitters, no conflicts (2 of 4 stars). 2 submissions from 2 submitters: Uncertain significance (2). Last evaluated 2023-03-27.

Conditions:
Encephalopathy, acute, infection-induced (herpes-specific), susceptibility to, 1. Also called: Herpes simplex encephalitis, susceptibility to, 1. Identifiers: Orphanet 1930, MedGen C2750180, MONDO:0024563, OMIM 610551.

Allele frequency attached by ClinVar (database versions not stated): gnomAD exomes below 0.00001.
gnomAD v4.1: 5 of 1,529,230 alleles (0.00033%); highest among the groups gnomAD compares: Non-Finnish European, 0.00044%; no homozygotes.

Submissions (2):

Ambry Genetics
Classification: Uncertain significance. Last evaluated: 2023-03-27. Review status: criteria provided, single submitter. Criteria: Ambry Variant Classification Scheme 2023. Collection method: clinical testing. Allele origin: germline.

Labcorp Genetics (formerly Invitae), Labcorp
Classification: Uncertain significance for Encephalopathy, acute, infection-induced (herpes-specific), susceptibility to, 1. Last evaluated: 2022-03-12. Review status: criteria provided, single submitter. Criteria: Invitae Variant Classification Sherloc (09022015). Collection method: clinical testing. Allele origin: germline.
Comment: This sequence change replaces methionine, which is neutral and non-polar, with valine, which is neutral and non-polar, at codon 72 of the UNC93B1 protein (p.Met72Val). This variant is not present in population databases (gnomAD no frequency). This variant has not been reported in the literature in individuals affected with UNC93B1-related conditions. Experimental studies and prediction algorithms are not available or were not evaluated, and the functional significance of this variant is currently unknown. In summary, the available evidence is currently insufficient to determine the role of this variant in disease. Therefore, it has been classified as a Variant of Uncertain Significance.

NM_030930.4(UNC93B1):c.214A>G (p.Met72Val)

Genes: UNC93B1 (unc-93B1 regulator of TLR signaling; minus strand), LOC130006235 (ATAC-STARR-seq lymphoblastoid silent region 3653; plus strand). Cytogenetic location: 11q13.2.
Variant type: single nucleotide variant.
Coding change: c.214A>G on transcript NM_030930.4 (MANE Select); coding-DNA position 214, A replaced by G.
Protein change: p.Met72Val; replaces methionine 72 with valine.
Molecular consequence: missense variant.
Genome position (GRCh38, 1-based): chr11:68,003,681, T>C on the plus strand (A>G on the coding strand, the complement: UNC93B1 is on the minus strand). VCF-style: chr11-68003681-T-C. GRCh37 (hg19) VCF-style: chr11-67771151-T-C.
Other names: short protein forms M72V.
Identifiers: ClinVar variation 2110346 (VCV002110346.6), dbSNP rs1857084869, ClinGen allele CA381578839.